The following is an entry in ClinVar:

NM_017934.7(PHIP):c.3476A>G (p.Asn1159Ser)

Genes: IRAK1BP1 (interleukin 1 receptor associated kinase 1 binding protein 1; plus strand), PHIP (PHIP subunit of CUL4-Ring ligase complex; minus strand). Cytogenetic location: 6q14.1.
Variant type: single nucleotide variant.
Coding change: c.3476A>G on transcript NM_017934.7 (MANE Select); coding-DNA position 3476, A replaced by G.
Protein change: p.Asn1159Ser; replaces asparagine 1159 with serine.
Molecular consequence: missense variant.
Genome position (GRCh38, 1-based): chr6:78,963,156, T>C on the plus strand (A>G on the coding strand, the complement: PHIP is on the minus strand). VCF-style: chr6-78963156-T-C. GRCh37 (hg19) VCF-style: chr6-79672873-T-C.
Other names: c.3476A>G (NM_017934.6); short protein forms N1159S.
Identifiers: ClinVar variation 2087871 (VCV002087871.5), dbSNP rs765151226, ClinGen allele CA3899684.

ClinVar aggregate classification (germline): Uncertain significance. Review status: criteria provided, multiple submitters, no conflicts (2 of 4 stars). 2 submissions from 2 submitters: Uncertain significance (2). Last evaluated 2025-07-16.

Conditions:
PHIP-related disorder. Also called: PHIP-related condition; PHIP-related disorders.

Allele frequency attached by ClinVar (database versions not stated): ExAC 0.00001; TOPMed 0.00001; gnomAD 0.00002; gnomAD exomes 0.00004.
gnomAD v4.1: 60 of 1,610,998 alleles (0.0037%); highest among the groups gnomAD compares: Middle Eastern, 0.033%; 1 homozygote.

Submissions (2):

PreventionGenetics, part of Exact Sciences
Classification: Uncertain significance for PHIP-related condition. Last evaluated: 2025-07-16. Review status: criteria provided, single submitter. Criteria: ACMG Guidelines, 2015. Collection method: clinical testing. Allele origin: germline.
Comment: The PHIP c.3476A>G variant is predicted to result in the amino acid substitution p.Asn1159Ser. To our knowledge, this variant has not been reported in the literature. This variant is reported in 0.0066% of alleles in individuals of South Asian descent in gnomAD. At this time, the clinical significance of this variant is uncertain due to the absence of conclusive functional and genetic evidence.

Labcorp Genetics (formerly Invitae), Labcorp
Classification: Uncertain significance. Last evaluated: 2023-11-27. Review status: criteria provided, single submitter. Criteria: Invitae Variant Classification Sherloc (09022015). Collection method: clinical testing. Allele origin: germline.
Comment: This sequence change replaces asparagine, which is neutral and polar, with serine, which is neutral and polar, at codon 1159 of the PHIP protein (p.Asn1159Ser). This variant is present in population databases (rs765151226, gnomAD 0.007%). This variant has not been reported in the literature in individuals affected with PHIP-related conditions. ClinVar contains an entry for this variant (Variation ID: 2087871). Advanced modeling of protein sequence and biophysical properties (such as structural, functional, and spatial information, amino acid conservation, physicochemical variation, residue mobility, and thermodynamic stability) performed at Invitae indicates that this missense variant is not expected to disrupt PHIP protein function with a negative predictive value of 80%. In summary, the available evidence is currently insufficient to determine the role of this variant in disease. Therefore, it has been classified as a Variant of Uncertain Significance.